The following is an entry in ClinVar:

ClinVar aggregate classification (germline): Uncertain significance (1 of 4 stars; one submission).

Conditions:
Hereditary cancer-predisposing syndrome. Also called: Tumor predisposition; Neoplastic Syndromes, Hereditary; Hereditary neoplastic syndrome; Hereditary Cancer Syndrome. Identifiers: Orphanet 140162, MedGen C0027672, MeSH D009386, MONDO:0015356.

Submission:

Ambry Genetics
Classification: Uncertain significance for Hereditary cancer-predisposing syndrome. Last evaluated: 2025-08-27. Review status: criteria provided, single submitter. Criteria: Ambry Variant Classification Scheme 2023. Collection method: clinical testing. Allele origin: germline.
Comment: The p.E378V variant (also known as c.1133A>T), located in coding exon 12 of the MUTYH gene, results from an A to T substitution at nucleotide position 1133. The glutamic acid at codon 378 is replaced by valine, an amino acid with dissimilar properties. This amino acid position is conserved. In addition, the in silico prediction for this alteration is inconclusive. Based on the available evidence, the clinical significance of this variant remains unclear.

NM_001048174.2(MUTYH):c.1049A>T (p.Glu350Val)

Gene: MUTYH (mutY DNA glycosylase; minus strand). Cytogenetic location: 1p34.1.
Variant type: single nucleotide variant.
Coding change: c.1049A>T on transcript NM_001048174.2 (MANE Select); coding-DNA position 1049, A replaced by T.
Protein change: p.Glu350Val; replaces glutamic acid 350 with valine.
Molecular consequence: missense variant. On other transcripts: non-coding transcript variant (7).
Genome position (GRCh38, 1-based): chr1:45,331,714, T>A on the plus strand (A>T on the coding strand, the complement: MUTYH is on the minus strand). VCF-style: chr1-45331714-T-A. GRCh37 (hg19) VCF-style: chr1-45797386-T-A.
Other names: c.1082A>T, p.Glu361Val (NM_001293191.2, NM_001407069.1, NM_001407077.1); c.773A>T, p.Glu258Val (NM_001293192.2, NM_001293196.2, NM_001407091.1); c.1049A>T, p.Glu350Val (NM_001293195.2, NM_001407070.1, NM_001407088.1 and 6 more transcripts); c.704A>T, p.Glu235Val (NM_001350650.2, NM_001350651.2, NM_001407082.1); c.1052A>T, p.Glu351Val (NM_001407071.1, NM_001407086.1, NM_001048172.2 and 1 more transcripts); c.1091A>T, p.Glu364Val (NM_001407085.1, NM_001407083.1); c.1070A>T, p.Glu357Val (NM_001407087.1); c.1124A>T, p.Glu375Val (NM_012222.3); and 5 more; short protein forms E350V, E357V, E258V, E336V, E337V, E364V, E365V, E322V.
Identifiers: ClinVar variation 4113040 (VCV004113040.1).